The following is an entry in ClinVar:

ClinVar aggregate classification (germline): Uncertain significance (1 of 4 stars; one submission).

gnomAD v4.1: 26 of 1,589,178 alleles (0.0016%); highest among the groups gnomAD compares: Non-Finnish European, 0.0021%; no homozygotes.

Submission:

Labcorp Genetics (formerly Invitae), Labcorp
Classification: Uncertain significance. Last evaluated: 2025-12-02. Review status: criteria provided, single submitter. Criteria: Invitae Variant Classification Sherloc (09022015). Collection method: clinical testing. Allele origin: germline.
Comment: This sequence change replaces arginine, which is basic and polar, with glutamine, which is neutral and polar, at codon 1394 of the MYH14 protein (p.Arg1394Gln). This variant is present in population databases (rs776961595, gnomAD 0.003%). This variant has not been reported in the literature in individuals affected with MYH14-related conditions. ClinVar contains an entry for this variant (Variation ID: 3671781). Invitae Evidence Modeling of protein sequence and biophysical properties (such as structural, functional, and spatial information, amino acid conservation, physicochemical variation, residue mobility, and thermodynamic stability) has been performed for this missense variant. However, the output from this modeling did not meet the statistical confidence thresholds required to predict the impact of this variant on MYH14 protein function. In summary, the available evidence is currently insufficient to determine the role of this variant in disease. Therefore, it has been classified as a Variant of Uncertain Significance.

NM_001145809.2(MYH14):c.4304G>A (p.Arg1435Gln)

Gene: MYH14 (myosin heavy chain 14; plus strand). Cytogenetic location: 19q13.33.
Variant type: single nucleotide variant.
Coding change: c.4304G>A on transcript NM_001145809.2 (MANE Select); coding-DNA position 4304, G replaced by A.
Protein change: p.Arg1435Gln; replaces arginine 1435 with glutamine.
Molecular consequence: missense variant.
Genome position (GRCh38, 1-based): chr19:50,281,607, G>A. VCF-style: chr19-50281607-G-A. GRCh37 (hg19) VCF-style: chr19-50784864-G-A.
Other names: c.4205G>A, p.Arg1402Gln (NM_001077186.2); c.4181G>A, p.Arg1394Gln (NM_024729.4); short protein forms R1402Q, R1394Q, R1435Q.
Identifiers: ClinVar variation 3671781 (VCV003671781.2).
Genomic context (GRCh38, chr19:50,281,607, plus strand): 5'-TCACTCATGGCCGTGACCACCAACCACCCTCTCTCTCCTCCCCTCAGCTTTCCGAGTGGC[G>A]GCGGCGCCAGGAGGAGGAGGCAGGGGCACTGGAGGCAGGGGAGGAGGCACGGCGCCGGGC-3'
Protein context (NP_001139281.1, residues 1425-1445): QTAQAQLSEW[Arg1435Gln]RRQEEEAGAL